The following is an entry in ClinVar:

ClinVar aggregate classification (germline): Uncertain significance (1 of 4 stars; one submission).

Conditions:
Familial hemiplegic migraine. Identifiers: MedGen C0338484, MONDO:0000700.

Allele frequency attached by ClinVar (database versions not stated): gnomAD exomes below 0.00001; ExAC 0.00001; TOPMed 0.00001.
gnomAD v4.1: 7 of 1,614,224 alleles (0.00043%); highest among the groups gnomAD compares: East Asian, 0.0022%; no homozygotes.

Submission:

Labcorp Genetics (formerly Invitae), Labcorp
Classification: Uncertain significance for Familial hemiplegic migraine. Last evaluated: 2022-09-04. Review status: criteria provided, single submitter. Criteria: Invitae Variant Classification Sherloc (09022015). Collection method: clinical testing. Allele origin: germline.
Comment: In summary, the available evidence is currently insufficient to determine the role of this variant in disease. Therefore, it has been classified as a Variant of Uncertain Significance. Algorithms developed to predict the effect of missense changes on protein structure and function are either unavailable or do not agree on the potential impact of this missense change (SIFT: "Deleterious"; PolyPhen-2: "Benign"; Align-GVGD: "Class C65"). This variant has not been reported in the literature in individuals affected with ATP1A2-related conditions. This variant is present in population databases (rs748802547, gnomAD 0.002%). This sequence change replaces leucine, which is neutral and non-polar, with proline, which is neutral and non-polar, at codon 57 of the ATP1A2 protein (p.Leu57Pro).

NM_000702.4(ATP1A2):c.170T>C (p.Leu57Pro)

Gene: ATP1A2 (ATPase Na+/K+ transporting subunit alpha 2; plus strand). Cytogenetic location: 1q23.2.
Variant type: single nucleotide variant.
Coding change: c.170T>C on transcript NM_000702.4 (MANE Select); coding-DNA position 170, T replaced by C.
Protein change: p.Leu57Pro; replaces leucine 57 with proline.
Molecular consequence: missense variant.
Genome position (GRCh38, 1-based): chr1:160,121,244, T>C. VCF-style: chr1-160121244-T-C. GRCh37 (hg19) VCF-style: chr1-160091034-T-C.
Other names: short protein forms L57P.
Identifiers: ClinVar variation 2187423 (VCV002187423.4), dbSNP rs748802547, ClinGen allele CA1194106.